The following is an entry in ClinVar:

ClinVar aggregate classification (germline): Benign (1 of 4 stars; one submission).

Allele frequency attached by ClinVar (database versions not stated): 1000 Genomes Project 0.07188; 1000 Genomes Project 30x 0.07620; gnomAD 0.09030 and 0.09330; TOPMed 0.09380.
gnomAD v4.1: 13,676 of 152,234 alleles (9%); highest among the groups gnomAD compares: African/African-American, 16%; 770 homozygotes.

Submission:

GeneDx
Classification: Benign. Last evaluated: 2018-06-14. Review status: criteria provided, single submitter. Criteria: GeneDx Variant Classification (06012015). Collection method: clinical testing. Allele origin: germline. Affected: yes.
Comment: This variant is considered likely benign or benign based on one or more of the following criteria: it is a conservative change, it occurs at a poorly conserved position in the protein, it is predicted to be benign by multiple in silico algorithms, and/or has population frequency not consistent with disease.

NM_020117.11(LARS1):c.2880+334A>G

Gene: LARS1 (leucyl-tRNA synthetase 1; minus strand). Cytogenetic location: 5q32.
Variant type: single nucleotide variant.
Coding change: c.2880+334A>G on transcript NM_020117.11 (MANE Select); 334 bases into the intron after coding-DNA position 2880, A replaced by G.
Molecular consequence: intron variant.
Genome position (GRCh38, 1-based): chr5:146,128,338, T>C on the plus strand (A>G on the coding strand, the complement: LARS1 is on the minus strand). VCF-style: chr5-146128338-T-C. GRCh37 (hg19) VCF-style: chr5-145507901-T-C.
Other names: c.2718+334A>G (NM_001317965.2); c.2799+334A>G (NM_016460.4); c.2742+334A>G (NM_001317964.2).
Identifiers: ClinVar variation 684234 (VCV000684234.1), dbSNP rs17104264, ClinGen allele CA128838977.